The following is an entry in ClinVar:

NC_012920.1(MT-ND5):m.12344T>C

Gene: MT-ND5 (mitochondrially encoded NADH dehydrogenase 5; plus strand).
Variant type: single nucleotide variant.
Genome position: chrM-12344-T-C.
Identifiers: ClinVar variation 693421 (VCV000693421.1), dbSNP rs1603223675, ClinGen allele CA414812738.

ClinVar aggregate classification (germline): Uncertain significance (1 of 4 stars; one submission).

Conditions:
Leigh syndrome (NULS). Also called: Leigh's necrotizing encephalopathy; Leigh's disease; Leigh Syndrome (mtDNA deletion); Leigh Disease; Subacute necrotizing encephalopathy; Necrotizing encephalopathy infantile subacute of Leigh. Identifiers: Orphanet 506, MedGen C2931891, MONDO:0009723, OMIM 256000.

Submission:

Wong Mito Lab, Molecular and Human Genetics, Baylor College of Medicine
Classification: Uncertain significance for Leigh syndrome. Last evaluated: 2019-10-17. Review status: criteria provided, single submitter. Criteria: Modified ACMG Guidelines (Unpublished). Collection method: clinical testing. Allele origin: germline.
Comment: The NC_012920.1:m.12344T>C (YP_003024036.1:p.Met3Thr) variant in MTND5 gene is interpretated to be a Uncertain Significance variant based on the modified ACMG guidelines (unpublished). This variant meets the following evidence codes: PP7